The following is an entry in ClinVar:

NM_000540.3(RYR1):c.10440+3C>T

Gene: RYR1 (ryanodine receptor 1; plus strand). Cytogenetic location: 19q13.2.
Variant type: single nucleotide variant.
Coding change: c.10440+3C>T on transcript NM_000540.3 (MANE Select); 3 bases into the intron after coding-DNA position 10440, C replaced by T.
Molecular consequence: intron variant.
Genome position (GRCh38, 1-based): chr19:38,523,312, C>T. VCF-style: chr19-38523312-C-T. GRCh37 (hg19) VCF-style: chr19-39013952-C-T.
Other names: c.10440+3C>T (NM_001042723.2).
Identifiers: ClinVar variation 478151 (VCV000478151.10), dbSNP rs564297039, ClinGen allele CA053415.

ClinVar aggregate classification (germline): Uncertain significance. Review status: criteria provided, multiple submitters, no conflicts (2 of 4 stars). 3 submissions from 3 submitters: Uncertain significance (3). Last evaluated 2025-06-22.

Conditions:
RYR1-related disorder. Also called: RYR1-related condition; RYR1-related disorders. Identifiers: MedGen CN239331.
Malignant hyperthermia, susceptibility to, 1 (MHS1). Also called: Anesthesia related hyperthermia; Malignant hyperpyrexia; Fulminating hyperpyrexia; Pharmacogenic myopathy; Malignant hyperthermia suceptibility 1; RYR1-Related Malignant Hyperthermia Susceptibility. Identifiers: Orphanet 423, MedGen C2930980, MONDO:0007783, OMIM 145600.

Allele frequency attached by ClinVar (database versions not stated): gnomAD 0.00001; TOPMed 0.00001; gnomAD exomes 0.00004; ExAC 0.00006; 1000 Genomes Project 30x 0.00016; 1000 Genomes Project 0.00020.
gnomAD v4.1: 40 of 1,614,142 alleles (0.0025%); highest among the groups gnomAD compares: South Asian, 0.019%; no homozygotes.

Submissions (3):

Labcorp Genetics (formerly Invitae), Labcorp
Classification: Uncertain significance for RYR1-related disorder. Last evaluated: 2025-06-22. Review status: criteria provided, single submitter. Criteria: Invitae Variant Classification Sherloc (09022015). Collection method: clinical testing. Allele origin: germline.
Comment: This sequence change falls in intron 69 of the RYR1 gene. It does not directly change the encoded amino acid sequence of the RYR1 protein. It affects a nucleotide within the consensus splice site. This variant is present in population databases (rs564297039, gnomAD 0.01%). This variant has not been reported in the literature in individuals affected with RYR1-related conditions. ClinVar contains an entry for this variant (Variation ID: 478151). Variants that disrupt the consensus splice site are a relatively common cause of aberrant splicing (PMID: 17576681, 9536098). Algorithms developed to predict the effect of sequence changes on RNA splicing suggest that this variant is not likely to affect RNA splicing. In summary, the available evidence is currently insufficient to determine the role of this variant in disease. Therefore, it has been classified as a Variant of Uncertain Significance.

Color Diagnostics, LLC DBA Color Health
Classification: Uncertain significance for Malignant hyperthermia, susceptibility to, 1. Last evaluated: 2025-05-30. Review status: criteria provided, single submitter. Criteria: ACMG Guidelines, 2015. Collection method: clinical testing. Allele origin: germline.
Comment: This variant causes a C to T nucleotide substitution at the +3 position of intron 69 of the RYR1 gene. To our knowledge, functional studies have not been reported for this variant. This variant has not been reported in individuals affected with RYR1-related disorders in the literature. This variant has been identified in 9/251304 chromosomes in the general population by the Genome Aggregation Database (gnomAD). The available evidence is insufficient to determine the role of this variant in disease conclusively. Therefore, this variant is classified as a Variant of Uncertain Significance.

Revvity Omics, Revvity
Classification: Uncertain significance. Last evaluated: 2022-06-13. Review status: criteria provided, single submitter. Criteria: ACMG Guidelines, 2015. Collection method: clinical testing. Allele origin: germline.

Literature cited by the submitters: PubMed 17576681 (cited by Labcorp Genetics (formerly Invitae), Labcorp); PubMed 9536098 (cited by Labcorp Genetics (formerly Invitae), Labcorp).